The following is an entry in ClinVar:

NM_000195.5(HPS1):c.624T>G (p.His208Gln)

Gene: HPS1 (HPS1 biogenesis of lysosomal organelles complex 3 subunit 1; minus strand). Cytogenetic location: 10q24.2.
Variant type: single nucleotide variant.
Coding change: c.624T>G on transcript NM_000195.5 (MANE Select); coding-DNA position 624, T replaced by G.
Protein change: p.His208Gln; replaces histidine 208 with glutamine.
Molecular consequence: missense variant. On other transcripts: 5 prime UTR variant (3), intron variant (5).
Genome position (GRCh38, 1-based): chr10:98,431,175, A>C on the plus strand (T>G on the coding strand, the complement: HPS1 is on the minus strand). VCF-style: chr10-98431175-A-C. GRCh37 (hg19) VCF-style: chr10-100190932-A-C.
Other names: c.-250T>G (NM_001311345.2, NM_001322489.2); c.624T>G, p.His208Gln (NM_001322476.2, NM_001322477.2, NM_001322478.2 and 3 more transcripts); c.255T>G, p.His85Gln (NM_001322483.2, NM_001322484.2, NM_001322485.2); c.-349T>G (NM_001322487.2); c.408-505T>G (NM_001322480.2, NM_001322482.2, NM_001322481.2); c.551-505T>G (NM_001322492.2, NM_001322490.2); short protein forms H85Q, H208Q.
Identifiers: ClinVar variation 2139715 (VCV002139715.2), dbSNP rs895627584, ClinGen allele CA212767332.

ClinVar aggregate classification (germline): Uncertain significance. Review status: criteria provided, multiple submitters, no conflicts (2 of 4 stars). 2 submissions from 2 submitters: Uncertain significance (2). Last evaluated 2024-03-29.

Conditions:
Hermansky-Pudlak syndrome 1 (HPS1). Also called: DELTA STORAGE POOL DISEASE. Identifiers: Orphanet 231500, Orphanet 79430, MedGen C2931875, MONDO:0008748, OMIM 203300.

Allele frequency attached by ClinVar (database versions not stated): gnomAD 0.00001; gnomAD exomes 0.00001; TOPMed 0.00001.
gnomAD v4.1: 10 of 1,614,048 alleles (0.00062%); highest among the groups gnomAD compares: Non-Finnish European, 0.00085%; no homozygotes.

Submissions (2):

Fulgent Genetics
Classification: Uncertain significance for Hermansky-Pudlak syndrome 1. Last evaluated: 2024-03-29. Review status: criteria provided, single submitter. Criteria: ACMG Guidelines, 2015. Collection method: clinical testing. Allele origin: germline.

Labcorp Genetics (formerly Invitae), Labcorp
Classification: Uncertain significance. Last evaluated: 2022-04-04. Review status: criteria provided, single submitter. Criteria: Invitae Variant Classification Sherloc (09022015). Collection method: clinical testing. Allele origin: germline.
Comment: This sequence change replaces histidine, which is basic and polar, with glutamine, which is neutral and polar, at codon 208 of the HPS1 protein (p.His208Gln). This variant is present in population databases (no rsID available, gnomAD 0.007%). This variant has not been reported in the literature in individuals affected with HPS1-related conditions. Algorithms developed to predict the effect of missense changes on protein structure and function are either unavailable or do not agree on the potential impact of this missense change (SIFT: "Tolerated"; PolyPhen-2: "Probably Damaging"; Align-GVGD: "Class C0"). In summary, the available evidence is currently insufficient to determine the role of this variant in disease. Therefore, it has been classified as a Variant of Uncertain Significance.